The following is an entry in ClinVar:

NM_031310.3(PLVAP):c.808A>G (p.Arg270Gly)

Gene: PLVAP (plasmalemma vesicle associated protein; minus strand). Cytogenetic location: 19p13.11.
Variant type: single nucleotide variant.
Coding change: c.808A>G on transcript NM_031310.3 (MANE Select); coding-DNA position 808, A replaced by G.
Protein change: p.Arg270Gly; replaces arginine 270 with glycine.
Molecular consequence: missense variant.
Genome position (GRCh38, 1-based): chr19:17,365,657, T>C on the plus strand (A>G on the coding strand, the complement: PLVAP is on the minus strand). VCF-style: chr19-17365657-T-C. GRCh37 (hg19) VCF-style: chr19-17476466-T-C.
Other names: short protein forms R270G.
Identifiers: ClinVar variation 3684042 (VCV003684042.2).
Genomic context (GRCh38, chr19:17,365,657, plus strand): 5'-GGCTCCGGGCCAGCTCCTCCACCTTGGAGCTCATGAGGCTGGGCATGTGGTCGCAGGCTC[T>C]GCGGATGGAGGCCAATTCCGAGCCCAGGGGATGGTAGAGGTTGTAACCCAGGTTGTCCAG-3'
Protein context (NP_112600.1, residues 260-280): PLGSELASIR[Arg270Gly]ACDHMPSLMS

ClinVar aggregate classification (germline): Uncertain significance (1 of 4 stars; one submission).

Submission:

Labcorp Genetics (formerly Invitae), Labcorp
Classification: Uncertain significance. Last evaluated: 2024-11-13. Review status: criteria provided, single submitter. Criteria: Invitae Variant Classification Sherloc (09022015). Collection method: clinical testing. Allele origin: germline.
Comment: This sequence change replaces arginine, which is basic and polar, with glycine, which is neutral and non-polar, at codon 270 of the PLVAP protein (p.Arg270Gly). This variant is not present in population databases (gnomAD no frequency). This variant has not been reported in the literature in individuals affected with PLVAP-related conditions. Invitae Evidence Modeling of protein sequence and biophysical properties (such as structural, functional, and spatial information, amino acid conservation, physicochemical variation, residue mobility, and thermodynamic stability) indicates that this missense variant is expected to disrupt PLVAP protein function with a positive predictive value of 80%. In summary, the available evidence is currently insufficient to determine the role of this variant in disease. Therefore, it has been classified as a Variant of Uncertain Significance.